The following is an entry in ClinVar:

ClinVar aggregate classification (germline): Likely benign. Review status: criteria provided, multiple submitters, no conflicts (2 of 4 stars). 2 submissions from 2 submitters: Likely benign (2). Last evaluated 2025-12-01.

Allele frequency attached by ClinVar (database versions not stated): gnomAD exomes 0.00016 and 0.00048; ExAC 0.00060; 1000 Genomes Project 0.00180; gnomAD 0.00191 and 0.00206; TOPMed 0.00207; 1000 Genomes Project 30x 0.00250; ESP Exome Variant Server 0.00269.
gnomAD v4.1: 527 of 1,613,780 alleles (0.033%); highest among the groups gnomAD compares: African/African-American, 0.64%; 2 homozygotes.

Submissions (2):

Labcorp Genetics (formerly Invitae), Labcorp
Classification: Likely benign. Last evaluated: 2025-12-01. Review status: criteria provided, single submitter. Criteria: Invitae Variant Classification Sherloc (09022015). Collection method: clinical testing. Allele origin: germline.

Women's Health and Genetics/Laboratory Corporation of America, LabCorp
Classification: Likely benign. Last evaluated: 2025-06-12. Review status: criteria provided, single submitter. Criteria: LabCorp Variant Classification Summary - May 2015. Collection method: clinical testing. Allele origin: germline.
Comment: Variant summary: HIKESHI c.130A>G (p.Ile44Val) results in a conservative amino acid change in the encoded protein sequence. Algorithms developed to predict the effect of missense changes on protein structure and function all suggest that this variant is likely to be tolerated. The variant allele was found at a frequency of 0.00048 in 251458 control chromosomes, predominantly at a frequency of 0.0069 within the African or African-American subpopulation in the gnomAD database. The observed variant frequency within African or African-American control individuals in the gnomAD database exceeds the estimated maximal expected allele frequency for a pathogenic variant in HIKESHI causing Hypomyelinating Leukodystrophy 13 phenotype. To our knowledge, no occurrence of c.130A>G in individuals affected with Hypomyelinating Leukodystrophy 13 and no experimental evidence demonstrating its impact on protein function have been reported. ClinVar contains an entry for this variant (Variation ID: 729865). Based on the evidence outlined above, the variant was classified as likely benign.

NM_016401.4(HIKESHI):c.130A>G (p.Ile44Val)

Gene: HIKESHI (heat shock protein nuclear import factor hikeshi; plus strand). Cytogenetic location: 11q14.2.
Variant type: single nucleotide variant.
Coding change: c.130A>G on transcript NM_016401.4 (MANE Select); coding-DNA position 130, A replaced by G.
Protein change: p.Ile44Val; replaces isoleucine 44 with valine.
Molecular consequence: missense variant. On other transcripts: non-coding transcript variant (1).
Genome position (GRCh38, 1-based): chr11:86,306,344, A>G. VCF-style: chr11-86306344-A-G. GRCh37 (hg19) VCF-style: chr11-86017386-A-G.
Other names: c.130A>G, p.Ile44Val (NM_001322404.2); c.13A>G, p.Ile5Val (NM_001322407.2, NM_001322409.2); short protein forms I44V, I5V.
Identifiers: ClinVar variation 729865 (VCV000729865.10), dbSNP rs145991257, ClinGen allele CA6216677.